The following is an entry in ClinVar:

ClinVar aggregate classification (germline): Uncertain significance (1 of 4 stars; one submission).

Conditions:
Hereditary spastic paraplegia 50 (SPG50). Also called: Spastic paraplegia 50, autosomal recessive. Identifiers: Orphanet 280763, MedGen C2752008, MONDO:0013048, OMIM 612936.

Allele frequency attached by ClinVar (database versions not stated): TOPMed 0.00003; ESP Exome Variant Server 0.00008.
gnomAD v4.1: 4 of 1,613,028 alleles (0.00025%); highest among the groups gnomAD compares: Admixed American, 0.0017%; no homozygotes.

Submission:

Labcorp Genetics (formerly Invitae), Labcorp
Classification: Uncertain significance for Hereditary spastic paraplegia 50. Last evaluated: 2022-07-30. Review status: criteria provided, single submitter. Criteria: Invitae Variant Classification Sherloc (09022015). Collection method: clinical testing. Allele origin: germline.
Comment: In summary, the available evidence is currently insufficient to determine the role of this variant in disease. Therefore, it has been classified as a Variant of Uncertain Significance. Algorithms developed to predict the effect of missense changes on protein structure and function output the following: SIFT: "Deleterious"; PolyPhen-2: "Benign"; Align-GVGD: "Class C15". The methionine amino acid residue is found in multiple mammalian species, which suggests that this missense change does not adversely affect protein function. This variant has not been reported in the literature in individuals affected with AP4M1-related conditions. This variant is present in population databases (rs144016415, gnomAD 0.003%). This sequence change replaces threonine, which is neutral and polar, with methionine, which is neutral and non-polar, at codon 38 of the AP4M1 protein (p.Thr38Met).

NM_004722.4(AP4M1):c.113C>T (p.Thr38Met)

Gene: AP4M1 (adaptor related protein complex 4 subunit mu 1; plus strand). Cytogenetic location: 7q22.1.
Variant type: single nucleotide variant.
Coding change: c.113C>T on transcript NM_004722.4 (MANE Select); coding-DNA position 113, C replaced by T.
Protein change: p.Thr38Met; replaces threonine 38 with methionine.
Molecular consequence: missense variant.
Genome position (GRCh38, 1-based): chr7:100,101,934, C>T. VCF-style: chr7-100101934-C-T. GRCh37 (hg19) VCF-style: chr7-99699557-C-T.
Other names: c.113C>T, p.Thr38Met (NM_001363671.2); short protein forms T38M.
Identifiers: ClinVar variation 2072557 (VCV002072557.2), dbSNP rs144016415, ClinGen allele CA4374440.